The following is an entry in ClinVar:

NM_001122752.2(SERPINI1):c.473A>G (p.Asn158Ser)

Gene: SERPINI1 (serpin family I member 1; plus strand). Cytogenetic location: 3q26.1.
Variant type: single nucleotide variant.
Coding change: c.473A>G on transcript NM_001122752.2 (MANE Select); coding-DNA position 473, A replaced by G.
Protein change: p.Asn158Ser; replaces asparagine 158 with serine.
Molecular consequence: missense variant.
Genome position (GRCh38, 1-based): chr3:167,790,594, A>G. VCF-style: chr3-167790594-A-G. GRCh37 (hg19) VCF-style: chr3-167508382-A-G.
Other names: c.473A>G, p.Asn158Ser (NM_005025.5); short protein forms N158S.
Identifiers: ClinVar variation 466617 (VCV000466617.11), dbSNP rs767144751, ClinGen allele CA2694805.

ClinVar aggregate classification (germline): Conflicting classifications of pathogenicity. Review status: criteria provided, conflicting classifications (1 of 4 stars). 4 submissions from 4 submitters: Uncertain significance (1); Likely benign (3). Last evaluated 2026-01-11.

Conditions:
SERPINI1-related disorder. Also called: SERPINI1-related condition.
Inborn genetic diseases. Identifiers: MedGen C0950123, MeSH D030342.
Familial encephalopathy with neuroserpin inclusion bodies. Also called: ENCEPHALOPATHY, FAMILIAL, WITH COLLINS BODIES. Identifiers: Orphanet 85110, MedGen C1858680, MONDO:0011412, OMIM 604218.

Allele frequency attached by ClinVar (database versions not stated): gnomAD 0.00001; gnomAD exomes 0.00001 and 0.00004; TOPMed 0.00002; ExAC 0.00003.
gnomAD v4.1: 12 of 1,611,238 alleles (0.00074%); highest among the groups gnomAD compares: East Asian, 0.027%; no homozygotes.

Submissions (4):

Labcorp Genetics (formerly Invitae), Labcorp
Classification: Likely benign for Familial encephalopathy with neuroserpin inclusion bodies. Last evaluated: 2026-01-11. Review status: criteria provided, single submitter. Criteria: Invitae Variant Classification Sherloc (09022015). Collection method: clinical testing. Allele origin: germline.

PreventionGenetics, part of Exact Sciences
Classification: Likely benign for SERPINI1-related condition. Last evaluated: 2025-07-10. Review status: criteria provided, single submitter. Criteria: ACMG Guidelines, 2015. Collection method: clinical testing. Allele origin: germline.
Comment: This variant is classified as likely benign based on ACMG/AMP sequence variant interpretation guidelines (Richards et al. 2015 PMID: 25741868, with internal and published modifications).

ARUP Laboratories, Molecular Genetics and Genomics, ARUP Laboratories
Classification: Likely benign for Familial encephalopathy with neuroserpin inclusion bodies. Last evaluated: 2024-10-25. Review status: criteria provided, single submitter. Criteria: ARUP Molecular Germline Variant Investigation Process 2024. Collection method: clinical testing. Allele origin: germline.

Ambry Genetics
Classification: Uncertain significance for Inborn genetic diseases. Last evaluated: 2021-06-17. Review status: criteria provided, single submitter. Criteria: Ambry Variant Classification Scheme 2023. Collection method: clinical testing. Allele origin: germline.